The following is an entry in ClinVar:

ClinVar aggregate classification (germline): Likely pathogenic (1 of 4 stars; one submission).

Conditions:
Hereditary fructosuria. Also called: ALDOB DEFICIENCY; ALDOLASE B DEFICIENCY; FRUCTOSE-1,6-BISPHOSPHATE ALDOLASE B DEFICIENCY; FRUCTOSE-1-PHOSPHATE ALDOLASE DEFICIENCY; FRUCTOSEMIA; Hereditary fructose intolerance. Identifiers: Orphanet 469, MedGen C0016751, MONDO:0009249, OMIM 229600, HP:0005973. Disease mechanism: loss of function.

Submission:

Labcorp Genetics (formerly Invitae), Labcorp
Classification: Likely pathogenic for Hereditary fructosuria. Last evaluated: 2023-09-21. Review status: criteria provided, single submitter. Criteria: Invitae Variant Classification Sherloc (09022015). Collection method: clinical testing. Allele origin: unknown.
Comment: This variant results in the deletion of exon 6 and part of exon 7 (c.541-277_649delinsATGGGT) of the ALDOB gene. It is expected to disrupt RNA splicing. Variants that disrupt the donor or acceptor splice site typically lead to a loss of protein function (PMID: 16199547), and loss-of-function variants in ALDOB are known to be pathogenic (PMID: 18541450). This variant has not been reported in the literature in individuals affected with ALDOB-related conditions. In summary, the currently available evidence indicates that the variant is pathogenic, but additional data are needed to prove that conclusively. Therefore, this variant has been classified as Likely Pathogenic.

Literature cited by the submitters: PubMed 16199547; PubMed 18541450.

NC_000009.11:g.(?_104187884)_(104189197_?)del

Gene: ALDOB (aldolase, fructose-bisphosphate B; minus strand). Cytogenetic location: 9q31.1.
Variant type: Deletion.
Identifiers: ClinVar variation 3245069 (VCV003245069.1).